The following is an entry in ClinVar:

NM_004999.4(MYO6):c.2723_2724insTGGCTCACGCCTGTAATCCCAGCACTTTGGGAGGCCGAGGCGGGTGGATCATGAGGTCAGGAGATCGAGACCNNNNNNNNNNAAAAAAAAAAAAAAAAAAAAAAAAGCTCAGAGGA (p.Glu908delinsAspGlySerArgLeuTer)

Gene: MYO6 (myosin VI; plus strand). Cytogenetic location: 6q14.1.
Variant type: Microsatellite.
Coding change: c.2723_2724insTGGCTCACGCCTGTAATCCCAGCACTTTGGGAGGCCGAGGCGGGTGGATCATGAGGTCAGGAGATCGAGACCNNNNNNNNNNAAAAAAAAAAAAAAAAAAAAAAAAGCTCAGAGGA on transcript NM_004999.4 (MANE Select); coding-DNA positions 2723 to 2724, TGGCTCACGCCTGTAATCCCAGCACTTTGGGAGGCCGAGGCGGGTGGATCATGAGGTCAGGAGATCGAGACCNNNNNNNNNNAAAAAAAAAAAAAAAAAAAAAAAAGCTCAGAGGA inserted.
Protein change: p.Glu908delinsAspGlySerArgLeuTer.
Molecular consequence: nonsense. On other transcripts: non-coding transcript variant (1).
Genome position: GRCh38: chr6:75,890,108-75,890,121. GRCh37 (hg19), VCF-style position (the base before the change): chr6:76,599,824.
Other names: c.2723_2724insTGGCTCACGCCTGTAATCCCAGCACTTTGGGAGGCCGAGGCGGGTGGATCATGAGGTCAGGAGATCGAGACCNNNNNNNNNNAAAAAAAAAAAAAAAAAAAAAAAAGCTCAGAGGA, p.Glu908delinsAspGlySerArgLeuTer (NM_001300899.2, NM_001368136.1, NM_001368137.1 and 2 more transcripts); c.2708_2709insTGGCTCACGCCTGTAATCCCAGCACTTTGGGAGGCCGAGGCGGGTGGATCATGAGGTCAGGAGATCGAGACCNNNNNNNNNNAAAAAAAAAAAAAAAAAAAAAAAAGCTCAGAGGA, p.Glu903delinsAspGlySerArgLeuTer (NM_001368138.1).
Identifiers: ClinVar variation 3657702 (VCV003657702.2).

ClinVar aggregate classification (germline): Pathogenic (1 of 4 stars; one submission).

Submission:

Labcorp Genetics (formerly Invitae), Labcorp
Classification: Pathogenic. Last evaluated: 2024-06-24. Review status: criteria provided, single submitter. Criteria: Invitae Variant Classification Sherloc (09022015). Collection method: clinical testing. Allele origin: germline.
Comment: This sequence change inserts a large fragment of DNA, likely a transposable element, in exon 26 of the MYO6 gene (c.2723_2724ins?), causing a frameshift at codon 909 (p.Leu909fs). The exact size and sequence of the insertion cannot be determined by the current assay. However, the insertion is expected to result in an absent or disrupted protein product. This variant is not present in population databases (gnomAD no frequency). This variant has not been reported in the literature in individuals affected with MYO6-related conditions. Retrotransposon insertions including LINE1 (L1), Alu, and SVA (SINE-VNTR-Alu) have been reported to be disease-causing through disruption of either a coding region or splice site (PMID: 19763152, 20307669, 22406018) and loss-of-function variants in MYO6 are known to be pathogenic (PMID: 12687499, 18348273, 23767834, 25999546, 30582396). For these reasons, this variant has been classified as Pathogenic.

Literature cited by the submitters: PubMed 19763152; PubMed 20307669; PubMed 22406018; PubMed 12687499; PubMed 18348273; PubMed 23767834; PubMed 25999546; PubMed 30582396.